The following is an entry in ClinVar:

NM_001099922.3(ALG13):c.1820G>A (p.Gly607Glu)

Gene: ALG13 (ALG13 UDP-N-acetylglucosaminyltransferase subunit; plus strand). Cytogenetic location: Xq23.
Variant type: single nucleotide variant.
Coding change: c.1820G>A on transcript NM_001099922.3 (MANE Select); coding-DNA position 1820, G replaced by A.
Protein change: p.Gly607Glu; replaces glycine 607 with glutamic acid.
Molecular consequence: missense variant. On other transcripts: non-coding transcript variant (1).
Genome position (GRCh38, 1-based): chrX:111,726,899, G>A. VCF-style: chrX-111726899-G-A. GRCh37 (hg19) VCF-style: chrX-110970127-G-A.
Other names: c.1508G>A, p.Gly503Glu (NM_001257230.2, NM_001257234.2, NM_001257237.2); c.1586G>A, p.Gly529Glu (NM_001257231.2); c.1820G>A, p.Gly607Glu (NM_001324292.2); c.1334G>A, p.Gly445Glu (NM_001324293.1); short protein forms G607E, G445E, G503E, G529E.
Identifiers: ClinVar variation 3631936 (VCV003631936.2).
Genomic context (GRCh38, chrX:111,726,899, plus strand): 5'-AGAAGATGTTCAAGAAAATTCGAGGGAAAGAAGTTTACATGACTATGGCTTACGGCAAGG[G>A]AGACCCCCTCCTCCCACCCAGGCTGCAGCACAGTATGCATTATGGGCACGATCCTCCAAT-3'
Protein context (NP_001093392.1, residues 597-617): EVYMTMAYGK[Gly607Glu]DPLLPPRLQH

ClinVar aggregate classification (germline): Uncertain significance (1 of 4 stars; one submission).

Conditions:
Developmental and epileptic encephalopathy, 36 (DEE36). Also called: ALG13-CDG; Congenital disorder of glycosylation, type Is; Epileptic encephalopathy, early infantile, 36. Identifiers: Orphanet 324422, MedGen C4317295, MONDO:0010472, OMIM 300884.

gnomAD v4.1: 1 of 1,211,415 alleles (0.000083%); highest among the groups gnomAD compares: Non-Finnish European, 0.00011%; no homozygotes.

Submission:

Labcorp Genetics (formerly Invitae), Labcorp
Classification: Uncertain significance for Developmental and epileptic encephalopathy, 36. Last evaluated: 2024-02-05. Review status: criteria provided, single submitter. Criteria: Invitae Variant Classification Sherloc (09022015). Collection method: clinical testing. Allele origin: germline.
Comment: This sequence change replaces glycine, which is neutral and non-polar, with glutamic acid, which is acidic and polar, at codon 607 of the ALG13 protein (p.Gly607Glu). This variant is not present in population databases (gnomAD no frequency). This variant has not been reported in the literature in individuals affected with ALG13-related conditions. Advanced modeling of protein sequence and biophysical properties (such as structural, functional, and spatial information, amino acid conservation, physicochemical variation, residue mobility, and thermodynamic stability) performed at Invitae indicates that this missense variant is not expected to disrupt ALG13 protein function with a negative predictive value of 80%. In summary, the available evidence is currently insufficient to determine the role of this variant in disease. Therefore, it has been classified as a Variant of Uncertain Significance.